The following is an entry in ClinVar:

NM_002109.6(HARS1):c.639T>G (p.Asp213Glu)

Gene: HARS1 (histidyl-tRNA synthetase 1; minus strand). Cytogenetic location: 5q31.3.
Variant type: single nucleotide variant.
Coding change: c.639T>G on transcript NM_002109.6 (MANE Select); coding-DNA position 639, T replaced by G.
Protein change: p.Asp213Glu; replaces aspartic acid 213 with glutamic acid.
Molecular consequence: missense variant.
Genome position (GRCh38, 1-based): chr5:140,677,745, A>C on the plus strand (T>G on the coding strand, the complement: HARS1 is on the minus strand). VCF-style: chr5-140677745-A-C. GRCh37 (hg19) VCF-style: chr5-140057330-A-C.
Other names: c.519T>G, p.Asp173Glu (NM_001258040.3); c.579T>G, p.Asp193Glu (NM_001258041.3); c.459T>G, p.Asp153Glu (NM_001258042.3); c.417T>G, p.Asp139Glu (NM_001289092.2); c.297T>G, p.Asp99Glu (NM_001289093.2); c.552T>G, p.Asp184Glu (NM_001289094.2); short protein forms D153E, D173E, D193E, D139E, D184E, D213E, D99E.
Identifiers: ClinVar variation 639090 (VCV000639090.10), dbSNP rs1562008284, ClinGen allele CA361255169.

ClinVar aggregate classification (germline): Uncertain significance (1 of 4 stars; one submission).

Conditions:
Usher syndrome type 3B. Also called: USHER SYNDROME, TYPE IIIB. Identifiers: MedGen C3281066, MONDO:0013788, OMIM 614504.

gnomAD v4.1: 4 of 1,608,074 alleles (0.00025%); highest among the groups gnomAD compares: East Asian, 0.0089%; no homozygotes.

Submission:

Labcorp Genetics (formerly Invitae), Labcorp
Classification: Uncertain significance for Usher syndrome type 3B. Last evaluated: 2024-12-09. Review status: criteria provided, single submitter. Criteria: Invitae Variant Classification Sherloc (09022015). Collection method: clinical testing. Allele origin: germline.
Comment: This sequence change replaces aspartic acid, which is acidic and polar, with glutamic acid, which is acidic and polar, at codon 213 of the HARS protein (p.Asp213Glu). This variant is not present in population databases (gnomAD no frequency). This variant has not been reported in the literature in individuals affected with HARS-related conditions. ClinVar contains an entry for this variant (Variation ID: 639090). Invitae Evidence Modeling of protein sequence and biophysical properties (such as structural, functional, and spatial information, amino acid conservation, physicochemical variation, residue mobility, and thermodynamic stability) indicates that this missense variant is not expected to disrupt HARS protein function with a negative predictive value of 80%. In summary, the available evidence is currently insufficient to determine the role of this variant in disease. Therefore, it has been classified as a Variant of Uncertain Significance.